The following is an entry in ClinVar:

ClinVar aggregate classification (germline): Uncertain significance (1 of 4 stars; one submission).

Allele frequency attached by ClinVar (database versions not stated): gnomAD 0.00001; gnomAD exomes 0.00001 and 0.00002; TOPMed 0.00003; ExAC 0.00002.

Submission:

Labcorp Genetics (formerly Invitae), Labcorp
Classification: Uncertain significance. Last evaluated: 2026-01-11. Review status: criteria provided, single submitter. Criteria: Invitae Variant Classification Sherloc (09022015). Collection method: clinical testing. Allele origin: germline.
Comment: This sequence change replaces methionine, which is neutral and non-polar, with isoleucine, which is neutral and non-polar, at codon 883 of the GRIN2D protein (p.Met883Ile). This variant is present in population databases (rs781567305, gnomAD 0.008%). This variant has not been reported in the literature in individuals affected with GRIN2D-related conditions. ClinVar contains an entry for this variant (Variation ID: 1410555). Invitae Evidence Modeling of protein sequence and biophysical properties (such as structural, functional, and spatial information, amino acid conservation, physicochemical variation, residue mobility, and thermodynamic stability) indicates that this missense variant is not expected to disrupt GRIN2D protein function with a negative predictive value of 95%. In summary, the available evidence is currently insufficient to determine the role of this variant in disease. Therefore, it has been classified as a Variant of Uncertain Significance.

NM_000836.4(GRIN2D):c.2649G>A (p.Met883Ile)

Gene: GRIN2D (glutamate ionotropic receptor NMDA type subunit 2D; plus strand). Cytogenetic location: 19q13.33.
Variant type: single nucleotide variant.
Coding change: c.2649G>A on transcript NM_000836.4 (MANE Select); coding-DNA position 2649, G replaced by A.
Protein change: p.Met883Ile; replaces methionine 883 with isoleucine.
Molecular consequence: missense variant.
Genome position (GRCh38, 1-based): chr19:48,442,358, G>A. VCF-style: chr19-48442358-G-A. GRCh37 (hg19) VCF-style: chr19-48945615-G-A.
Other names: short protein forms M883I.
Identifiers: ClinVar variation 1410555 (VCV001410555.6), dbSNP rs781567305, ClinGen allele CA9550786.